The following is an entry in ClinVar:

NM_002691.4(POLD1):c.2911G>A (p.Glu971Lys)

Gene: POLD1 (DNA polymerase delta 1, catalytic subunit; plus strand). Cytogenetic location: 19q13.33.
Variant type: single nucleotide variant.
Coding change: c.2911G>A on transcript NM_002691.4 (MANE Select); coding-DNA position 2911, G replaced by A.
Protein change: p.Glu971Lys; replaces glutamic acid 971 with lysine.
Molecular consequence: missense variant. On other transcripts: non-coding transcript variant (1).
Genome position (GRCh38, 1-based): chr19:50,416,486, G>A. VCF-style: chr19-50416486-G-A. GRCh37 (hg19) VCF-style: chr19-50919743-G-A.
Other names: c.2911G>A, p.Glu971Lys (NM_001256849.1); c.2989G>A, p.Glu997Lys (NM_001308632.1); c.2911G>A (NM_002691.2); short protein forms E971K, E997K.
Identifiers: ClinVar variation 569277 (VCV000569277.10), dbSNP rs897259743, ClinGen allele CA406986562.
Genomic context (GRCh38, chr19:50,416,486, plus strand): 5'-CCCATTGACACGCAGTACTACCTGGAGCAGCAGCTGGCCAAGCCCCTCCTGCGCATCTTC[G>A]AGCCCATCCTGGGCGAGGGCCGTGCCGAGGCTGTGCTACTGCGTACGGGGGCACCAGGGG-3'
Protein context (NP_002682.2, residues 961-981): QLAKPLLRIF[Glu971Lys]PILGEGRAEA

ClinVar aggregate classification (germline): Uncertain significance. Review status: criteria provided, multiple submitters, no conflicts (2 of 4 stars). 3 submissions from 3 submitters: Uncertain significance (3). Last evaluated 2026-02-03.

Conditions:
Hereditary cancer-predisposing syndrome. Also called: Tumor predisposition; Neoplastic Syndromes, Hereditary; Hereditary Cancer Syndrome; Hereditary neoplastic syndrome. Identifiers: Orphanet 140162, MedGen C0027672, MeSH D009386, MONDO:0015356.
POLD1-related polyposis and colorectal cancer syndrome (CRCS10). Also called: Colorectal cancer 10; COLORECTAL CANCER, SUSCEPTIBILITY TO, ON CHROMOSOME 19q; Colorectal cancer, susceptibility to, 10. Identifiers: Orphanet 220460, MedGen C2675481, MONDO:0012953, OMIM 612591.

Allele frequency attached by ClinVar (database versions not stated): gnomAD 0.00001; TOPMed 0.00001.
gnomAD v4.1: 13 of 1,551,916 alleles (0.00084%); highest among the groups gnomAD compares: East Asian, 0.0073%; no homozygotes.

Submissions (3):

Labcorp Genetics (formerly Invitae), Labcorp
Classification: Uncertain significance for POLD1-related polyposis and colorectal cancer syndrome. Last evaluated: 2026-02-03. Review status: criteria provided, single submitter. Criteria: Invitae Variant Classification Sherloc (09022015). Collection method: clinical testing. Allele origin: germline.
Comment: This sequence change replaces glutamic acid, which is acidic and polar, with lysine, which is basic and polar, at codon 971 of the POLD1 protein (p.Glu971Lys). This variant is not present in population databases (gnomAD no frequency). This variant has not been reported in the literature in individuals affected with POLD1-related conditions. ClinVar contains an entry for this variant (Variation ID: 569277). Invitae Evidence Modeling of protein sequence and biophysical properties (such as structural, functional, and spatial information, amino acid conservation, physicochemical variation, residue mobility, and thermodynamic stability) indicates that this missense variant is not expected to disrupt POLD1 protein function with a negative predictive value of 80%. In summary, the available evidence is currently insufficient to determine the role of this variant in disease. Therefore, it has been classified as a Variant of Uncertain Significance.

Ambry Genetics
Classification: Uncertain significance for Hereditary cancer-predisposing syndrome. Last evaluated: 2025-12-18. Review status: criteria provided, single submitter. Criteria: Ambry Variant Classification Scheme 2023. Collection method: clinical testing. Allele origin: germline.
Comment: The p.E971K variant (also known as c.2911G>A), located in coding exon 22 of the POLD1 gene, results from a G to A substitution at nucleotide position 2911. The glutamic acid at codon 971 is replaced by lysine, an amino acid with similar properties. This amino acid position is well conserved in available vertebrate species. In addition, this alteration is predicted to be tolerated by in silico analysis. Based on the available evidence, the clinical significance of this variant remains unclear.

GeneDx
Classification: Uncertain significance. Last evaluated: 2024-12-16. Review status: criteria provided, single submitter. Criteria: GeneDx Variant Classification Process June 2021. Collection method: clinical testing. Allele origin: germline. Affected: yes.
Comment: Not observed at significant frequency in large population cohorts (gnomAD); In silico analysis supports that this missense variant has a deleterious effect on protein structure/function; Has not been previously published as pathogenic or benign to our knowledge